The following is an entry in ClinVar:

ClinVar aggregate classification (germline): Conflicting classifications of pathogenicity. Review status: criteria provided, conflicting classifications (1 of 4 stars). 2 submissions from 2 submitters: Uncertain significance (1); Benign (1). Last evaluated 2025-11-17.

Conditions:
RASopathy. Also called: Noonan spectrum disorder; rasopathies. Identifiers: Orphanet 536391, MedGen C5555857, MONDO:0021060.

Submissions (2):

Women's Health and Genetics/Laboratory Corporation of America, LabCorp
Classification: Uncertain significance. Last evaluated: 2025-11-17. Review status: criteria provided, single submitter. Criteria: LabCorp Variant Classification Summary - May 2015. Collection method: clinical testing. Allele origin: germline.

GeneDx
Classification: Benign for Rasopathy. Last evaluated: 2014-10-13. Review status: criteria provided, single submitter. Criteria: GeneDx Variant Classification (06012015). Collection method: clinical testing. Allele origin: germline. Affected: yes.
Comment: The variant is found in CARDIOMYOPATHY panel(s).

NM_030662.4(MAP2K2):c.-27CCG[3]

Genes: MAP2K2 (mitogen-activated protein kinase kinase 2; minus strand), LOC130063193 (ATAC-STARR-seq lymphoblastoid silent region 9881; plus strand). Cytogenetic location: 19p13.3.
Variant type: Microsatellite.
Coding change: c.-27CCG[3] on transcript NM_030662.4 (MANE Select); three copies in a row of the 3-base unit CCG starting at c.-27; the reference has four copies in a row; one copy, 3 bases deleted.
Molecular consequence: 5 prime UTR variant.
Genome position (GRCh38, 1-based): chr19:4,123,891-4,123,893, CGG deleted on the plus strand (CCG on the coding strand, the reverse complement: MAP2K2 is on the minus strand); deleting any 3 consecutive bases within chr19:4,123,891-4,123,904 gives the same sequence; the position shown is the placement nearest the transcript's 3' end. VCF-style (leftmost placement, unchanged base first): chr19-4123890-CCGG-C. GRCh37 (hg19) VCF-style: chr19-4123887-CCGG-C.
Other names: c.-18_-16delCCG (NM_030662.4, NM_030662.3).
Identifiers: ClinVar variation 180904 (VCV000180904.2), dbSNP rs397517411, ClinGen allele CA296129.